The following is an entry in ClinVar:

NM_021728.4(OTX2):c.701C>T (p.Ala234Val)

Gene: OTX2 (orthodenticle homeobox 2; minus strand). Cytogenetic location: 14q22.3.
Variant type: single nucleotide variant.
Coding change: c.701C>T on transcript NM_021728.4 (MANE Select); coding-DNA position 701, C replaced by T.
Protein change: p.Ala234Val; replaces alanine 234 with valine.
Molecular consequence: missense variant. On other transcripts: non-coding transcript variant (2).
Genome position (GRCh38, 1-based): chr14:56,801,928, G>A on the plus strand (C>T on the coding strand, the complement: OTX2 is on the minus strand). VCF-style: chr14-56801928-G-A. GRCh37 (hg19) VCF-style: chr14-57268646-G-A.
Other names: c.677C>T, p.Ala226Val (NM_001270523.2, NM_001270524.2, NM_172337.3); c.701C>T, p.Ala234Val (NM_001270525.2); short protein forms A226V, A234V.
Identifiers: ClinVar variation 2699298 (VCV002699298.4), dbSNP rs1594952207, ClinGen allele CA390051303.
Genomic context (GRCh38, chr14:56,801,928, plus strand): 5'-GAAGCTCCATATCCCTGGGTGGAAAGAGAAGCTGGGGACTGATTGAGATGGCTGGTGACT[G>A]CATTGGTACCCATGGGACTGAGTGTGGCCCCTGGTCCGGGAAGCTGGTGATGCATAGGGG-3'
Protein context (NP_068374.1, residues 224-244): GATLSPMGTN[Ala234Val]VTSHLNQSPA

ClinVar aggregate classification (germline): Uncertain significance. Review status: criteria provided, multiple submitters, no conflicts (2 of 4 stars). 2 submissions from 2 submitters: Uncertain significance (2). Last evaluated 2023-11-27.

Conditions:
Anophthalmia-microphthalmia syndrome. Also called: Anophthalmia/Microphthalmia; Anophthalmia - microphthalmia. Identifiers: Orphanet 98555, MedGen C5680330, MONDO:0020147.

Allele frequency attached by ClinVar (database versions not stated): gnomAD exomes 0.00001.
gnomAD v4.1: 8 of 1,614,214 alleles (0.0005%); highest among the groups gnomAD compares: Non-Finnish European, 0.00068%; no homozygotes.

Submissions (2):

Labcorp Genetics (formerly Invitae), Labcorp
Classification: Uncertain significance for Anophthalmia-microphthalmia syndrome. Last evaluated: 2023-11-27. Review status: criteria provided, single submitter. Criteria: Invitae Variant Classification Sherloc (09022015). Collection method: clinical testing. Allele origin: germline.
Comment: This sequence change replaces alanine, which is neutral and non-polar, with valine, which is neutral and non-polar, at codon 226 of the OTX2 protein (p.Ala226Val). This variant is not present in population databases (gnomAD no frequency). This variant has not been reported in the literature in individuals affected with OTX2-related conditions. An algorithm developed to predict the effect of missense changes on protein structure and function (PolyPhen-2) suggests that this variant is likely to be tolerated. In summary, the available evidence is currently insufficient to determine the role of this variant in disease. Therefore, it has been classified as a Variant of Uncertain Significance.

Blueprint Genetics
Classification: Uncertain significance. Last evaluated: 2020-01-15. Review status: criteria provided, single submitter. Criteria: ACMG Guidelines, 2015. Collection method: clinical testing. Allele origin: germline.